The following is an entry in ClinVar:

NM_017780.4(CHD7):c.5005A>G (p.Thr1669Ala)

Gene: CHD7 (chromodomain helicase DNA binding protein 7; plus strand). Cytogenetic location: 8q12.2.
Variant type: single nucleotide variant.
Coding change: c.5005A>G on transcript NM_017780.4 (MANE Select); coding-DNA position 5005, A replaced by G.
Protein change: p.Thr1669Ala; replaces threonine 1669 with alanine.
Molecular consequence: missense variant. On other transcripts: intron variant (1).
Genome position (GRCh38, 1-based): chr8:60,845,018, A>G. VCF-style: chr8-60845018-A-G. GRCh37 (hg19) VCF-style: chr8-61757577-A-G.
Other names: c.1717-17211A>G (NM_001316690.1); short protein forms T1669A.
Identifiers: ClinVar variation 3692256 (VCV003692256.2).

ClinVar aggregate classification (germline): Uncertain significance (1 of 4 stars; one submission).

Conditions:
CHARGE syndrome (CHARGE). Also called: Hittner Hirsch Kreh syndrome; CHARGE ASSOCIATION--COLOBOMA, HEART ANOMALY, CHOANAL ATRESIA, RETARDATION, GENITAL AND EAR ANOMALIES; Coloboma, heart anomaly, choanal atresia, retardation, genital and ear anomalies; CHARGE association; Hall-Hittner syndrome. Identifiers: Orphanet 138, MedGen C0265354, MONDO:0008965.

Submission:

Labcorp Genetics (formerly Invitae), Labcorp
Classification: Uncertain significance for CHARGE syndrome. Last evaluated: 2024-09-04. Review status: criteria provided, single submitter. Criteria: Invitae Variant Classification Sherloc (09022015). Collection method: clinical testing. Allele origin: germline.
Comment: This sequence change replaces threonine, which is neutral and polar, with alanine, which is neutral and non-polar, at codon 1669 of the CHD7 protein (p.Thr1669Ala). This variant is not present in population databases (gnomAD no frequency). This variant has not been reported in the literature in individuals affected with CHD7-related conditions. Invitae Evidence Modeling of protein sequence and biophysical properties (such as structural, functional, and spatial information, amino acid conservation, physicochemical variation, residue mobility, and thermodynamic stability) indicates that this missense variant is not expected to disrupt CHD7 protein function with a negative predictive value of 95%. In summary, the available evidence is currently insufficient to determine the role of this variant in disease. Therefore, it has been classified as a Variant of Uncertain Significance.